The following is an entry in ClinVar:

NM_001605.3(AARS1):c.1709G>T (p.Gly570Val)

Gene: AARS1 (alanyl-tRNA synthetase 1; minus strand). Cytogenetic location: 16q22.1.
Variant type: single nucleotide variant.
Coding change: c.1709G>T on transcript NM_001605.3 (MANE Select); coding-DNA position 1709, G replaced by T.
Protein change: p.Gly570Val; replaces glycine 570 with valine.
Molecular consequence: missense variant.
Genome position (GRCh38, 1-based): chr16:70,261,120, C>A on the plus strand (G>T on the coding strand, the complement: AARS1 is on the minus strand). VCF-style: chr16-70261120-C-A. GRCh37 (hg19) VCF-style: chr16-70295023-C-A.
Other names: short protein forms G570V.
Identifiers: ClinVar variation 3706245 (VCV003706245.3).
Genomic context (GRCh38, chr16:70,261,120, plus strand): 5'-CAGACCTGATCCCCCACTTTCAGGTCACCGTAGATGGTTCCAATGTGTAGCACATACCCT[C>A]CTCGGACCTGAGCATTCTTCACTGTAAACTCTGTTTTCTAAGAGGGGTCAAGGAAGAGAC-3'
Protein context (NP_001596.2, residues 560-580): EFTVKNAQVR[Gly570Val]GYVLHIGTIY

ClinVar aggregate classification (germline): Uncertain significance. Review status: criteria provided, multiple submitters, no conflicts (2 of 4 stars). 2 submissions from 2 submitters: Uncertain significance (2). Last evaluated 2025-03-10.

Conditions:
Charcot-Marie-Tooth disease type 2. Also called: Charcot-Marie-Tooth type 2. Identifiers: Orphanet 64746, MedGen C0270914, MONDO:0018993.

gnomAD v4.1: 9 of 1,613,858 alleles (0.00056%); highest among the groups gnomAD compares: Non-Finnish European, 0.00076%; no homozygotes.

Submissions (2):

Labcorp Genetics (formerly Invitae), Labcorp
Classification: Uncertain significance for Charcot-Marie-Tooth disease type 2. Last evaluated: 2025-03-10. Review status: criteria provided, single submitter. Criteria: Invitae Variant Classification Sherloc (09022015). Collection method: clinical testing. Allele origin: germline.
Comment: This sequence change replaces glycine, which is neutral and non-polar, with valine, which is neutral and non-polar, at codon 570 of the AARS protein (p.Gly570Val). This variant is present in population databases (rs758700577, gnomAD 0.002%). This variant has not been reported in the literature in individuals affected with AARS-related conditions. Invitae Evidence Modeling of protein sequence and biophysical properties (such as structural, functional, and spatial information, amino acid conservation, physicochemical variation, residue mobility, and thermodynamic stability) has been performed for this missense variant. However, the output from this modeling did not meet the statistical confidence thresholds required to predict the impact of this variant on AARS protein function. In summary, the available evidence is currently insufficient to determine the role of this variant in disease. Therefore, it has been classified as a Variant of Uncertain Significance.

Blueprint Genetics
Classification: Uncertain significance. Last evaluated: 2023-11-14. Review status: criteria provided, single submitter. Criteria: ACMG Guidelines, 2015. Collection method: clinical testing. Allele origin: germline.